The following is an entry in ClinVar:

NM_020247.5(COQ8A):c.588G>A (p.Thr196=)

Gene: COQ8A (coenzyme Q8A; plus strand). Cytogenetic location: 1q42.13.
Variant type: single nucleotide variant.
Coding change: c.588G>A on transcript NM_020247.5 (MANE Select); coding-DNA position 588, G replaced by A.
Protein change: p.Thr196=; no amino-acid change (threonine 196 retained).
Molecular consequence: synonymous variant.
Genome position (GRCh38, 1-based): chr1:226,965,410, G>A. VCF-style: chr1-226965410-G-A. GRCh37 (hg19) VCF-style: chr1-227153111-G-A.
Other names: p.T196T:ACG>ACA.
Identifiers: ClinVar variation 214040 (VCV000214040.9), dbSNP rs758570123, ClinGen allele CA320047.
Genomic context (GRCh38, chr1:226,965,410, plus strand): 5'-GGACATTGAGAAGGCCCGGCAGGCTAAGGCTCGCCCCGAGAACAAGCAGCACAAACAGAC[G>A]GTGCGTATGGGAGGCCCCTGGAGGGCCGAGGTAGCTGCCACCCACAGCAGTGATGGCCTT-3'
Protein context (NP_064632.2, residues 186-206): ARPENKQHKQ[Thr196=]LSEHARERKV

ClinVar aggregate classification (germline): Uncertain significance. Review status: criteria provided, multiple submitters, no conflicts (2 of 4 stars). 3 submissions from 3 submitters: Uncertain significance (3). Last evaluated 2024-12-02.

Conditions:
COQ8A-related disorder. Also called: COQ8A-related condition.

Allele frequency attached by ClinVar (database versions not stated): ExAC 0.00001; gnomAD 0.00002; gnomAD exomes 0.00002; TOPMed 0.00003.

Submissions (3):

Labcorp Genetics (formerly Invitae), Labcorp
Classification: Uncertain significance. Last evaluated: 2024-12-02. Review status: criteria provided, single submitter. Criteria: Invitae Variant Classification Sherloc (09022015). Collection method: clinical testing. Allele origin: germline.
Comment: This sequence change affects codon 196 of the COQ8A mRNA. It is a 'silent' change, meaning that it does not change the encoded amino acid sequence of the COQ8A protein. This variant also falls at the last nucleotide of exon 3, which is part of the consensus splice site for this exon. The frequency data for this variant in the population databases is considered unreliable, as metrics indicate poor data quality at this position in the gnomAD database. This variant has not been reported in the literature in individuals affected with COQ8A-related conditions. ClinVar contains an entry for this variant (Variation ID: 214040). Variants that disrupt the consensus splice site are a relatively common cause of aberrant splicing (PMID: 17576681, 9536098). Algorithms developed to predict the effect of sequence changes on RNA splicing suggest that this variant is not likely to affect RNA splicing. In summary, the available evidence is currently insufficient to determine the role of this variant in disease. Therefore, it has been classified as a Variant of Uncertain Significance.

PreventionGenetics, part of Exact Sciences
Classification: Uncertain significance for COQ8A-related condition. Last evaluated: 2023-09-08. Review status: criteria provided, single submitter. Criteria: ACMG Guidelines, 2015. Collection method: clinical testing. Allele origin: germline.
Comment: The COQ8A c.588G>A variant is not predicted to result in an amino acid change (p.=). To our knowledge, this variant has not been reported in the literature. This variant is reported in 0.0069% of alleles in individuals of South Asian descent in gnomAD. At this time, the clinical significance of this variant is uncertain due to the absence of conclusive functional and genetic evidence.

GeneDx
Classification: Uncertain significance. Last evaluated: 2015-05-22. Review status: criteria provided, single submitter. Criteria: GeneDx Variant Classification (06012015). Collection method: clinical testing. Allele origin: germline. Affected: yes.
Comment: p.Thr196Thr (ACG>ACA): c.588 G>A in exon 3 of the ADCK3 gene (NM_020247.4). The c.588 G>A has not been published as a mutation, nor has it been reported as a benign polymorphism to our knowledge. Multiple splice prediction models predict that c.588 G>A damages the natural splice donor site in intron 3. However, the true effect on splicing in vivo is not known. Therefore, based on the currently available information, it is unclear whether c.588 G>A is a disease-causing mutation or a rare benign variant. The variant is found in MITONUC-MITOP panel(s).

Literature cited by the submitters: PubMed 17576681 (cited by Labcorp Genetics (formerly Invitae), Labcorp); PubMed 9536098 (cited by Labcorp Genetics (formerly Invitae), Labcorp).